The following is an entry in ClinVar:

ClinVar aggregate classification (germline): Uncertain significance (1 of 4 stars; one submission).

Submission:

CeGaT Center for Human Genetics Tuebingen
Classification: Uncertain significance. Last evaluated: 2023-11-01. Review status: criteria provided, single submitter. Criteria: CeGaT Center For Human Genetics Tuebingen Variant Classification Criteria Version 2. Collection method: clinical testing. Allele origin: germline. Affected: yes. Observed: 1 variant allele.
Comment: COL6A3: PM1, PM2

NM_004369.4(COL6A3):c.6646G>A (p.Gly2216Ser)

Gene: COL6A3 (collagen type VI alpha 3 chain; minus strand). Cytogenetic location: 2q37.3.
Variant type: single nucleotide variant.
Coding change: c.6646G>A on transcript NM_004369.4 (MANE Select); coding-DNA position 6646, G replaced by A.
Protein change: p.Gly2216Ser; replaces glycine 2216 with serine.
Molecular consequence: missense variant.
Genome position (GRCh38, 1-based): chr2:237,353,385, C>T on the plus strand (G>A on the coding strand, the complement: COL6A3 is on the minus strand). VCF-style: chr2-237353385-C-T. GRCh37 (hg19) VCF-style: chr2-238262028-C-T.
Other names: c.4825G>A, p.Gly1609Ser (NM_057166.5); c.6028G>A, p.Gly2010Ser (NM_057167.4); short protein forms G1609S, G2010S, G2216S.
Identifiers: ClinVar variation 2672870 (VCV002672870.21), dbSNP rs2469841788, ClinGen allele CA351212639.
Genomic context (GRCh38, chr2:237,353,385, plus strand): 5'-ACACGGAAGCACTCACCTGTGCACCTCTGGTCCCCTGCTCTCCCTCAAAGCCCGGCTGGC[C>T]AGGACCGCCCTTGTTGCCCTTTGAAATAAGAGAAGATGCAGGGAGGAGTCAGGATGGTTC-3'
Protein context (NP_004360.2, residues 2206-2226): PGAKGNKGGP[Gly2216Ser]QPGFEGEQGT